The following is an entry in ClinVar:

NM_000535.7(PMS2):c.2523G>C (p.Trp841Cys)

Gene: PMS2 (PMS1 homolog 2, mismatch repair system component; minus strand). Cytogenetic location: 7p22.1.
Variant type: single nucleotide variant.
Coding change: c.2523G>C on transcript NM_000535.7 (MANE Select); coding-DNA position 2523, G replaced by C.
Protein change: p.Trp841Cys; replaces tryptophan 841 with cysteine.
Molecular consequence: missense variant. On other transcripts: non-coding transcript variant (1).
Genome position (GRCh38, 1-based): chr7:5,973,465, C>G on the plus strand (G>C on the coding strand, the complement: PMS2 is on the minus strand). VCF-style: chr7-5973465-C-G. GRCh37 (hg19) VCF-style: chr7-6013096-C-G.
Other names: c.2118G>C, p.Trp706Cys (NM_001018040.1, NM_001322003.2, NM_001322004.2 and 12 more transcripts); c.2367G>C, p.Trp789Cys (NM_001322006.2); c.2205G>C, p.Trp735Cys (NM_001322007.2, NM_001322008.2, NM_001406883.1); c.2151G>C, p.Trp717Cys (NM_001322009.2, NM_001406887.1, NM_001406888.1); c.1962G>C, p.Trp654Cys (NM_001322010.2, NM_001406906.1, NM_001406907.1); c.1590G>C, p.Trp530Cys (NM_001322011.2, NM_001322012.2); c.1950G>C, p.Trp650Cys (NM_001322013.2, NM_001406908.1, NM_001406909.1); c.2556G>C, p.Trp852Cys (NM_001322014.2); and 20 more; short protein forms W654C, W683C, W686C, W706C, W749C, W775C, W793C, W584C.
Identifiers: ClinVar variation 2447017 (VCV002447017.2), dbSNP rs587780057, ClinGen allele CA366734873.

ClinVar aggregate classification (germline): Uncertain significance (1 of 4 stars; one submission).

Conditions:
Hereditary cancer-predisposing syndrome. Also called: Neoplastic Syndromes, Hereditary; Hereditary Cancer Syndrome; Tumor predisposition; Hereditary neoplastic syndrome. Identifiers: Orphanet 140162, MedGen C0027672, MeSH D009386, MONDO:0015356.

Submission:

Ambry Genetics
Classification: Uncertain significance for Hereditary cancer-predisposing syndrome. Last evaluated: 2023-03-11. Review status: criteria provided, single submitter. Criteria: Ambry Variant Classification Scheme 2023. Collection method: clinical testing. Allele origin: germline.
Comment: The p.W841C variant (also known as c.2523G>C), located in coding exon 15 of the PMS2 gene, results from a G to C substitution at nucleotide position 2523. The tryptophan at codon 841 is replaced by cysteine, an amino acid with highly dissimilar properties. This amino acid position is conserved. In addition, this alteration is predicted to be deleterious by in silico analysis. Since supporting evidence is limited at this time, the clinical significance of this alteration remains unclear.